The following is an entry in ClinVar:

NM_003748.4(ALDH4A1):c.381C>G (p.Ile127Met)

Gene: ALDH4A1 (aldehyde dehydrogenase 4 family member A1; minus strand). Cytogenetic location: 1p36.13.
Variant type: single nucleotide variant.
Coding change: c.381C>G on transcript NM_003748.4 (MANE Select); coding-DNA position 381, C replaced by G.
Protein change: p.Ile127Met; replaces isoleucine 127 with methionine.
Molecular consequence: missense variant.
Genome position (GRCh38, 1-based): chr1:18,885,545, G>C on the plus strand (C>G on the coding strand, the complement: ALDH4A1 is on the minus strand). VCF-style: chr1-18885545-G-C. GRCh37 (hg19) VCF-style: chr1-19212039-G-C.
Other names: c.201C>G, p.Ile67Met (NM_001161504.2); c.381C>G, p.Ile127Met (NM_001319218.2, NM_170726.3); short protein forms I127M, I67M.
Identifiers: ClinVar variation 874376 (VCV000874376.6), dbSNP rs147348663, ClinGen allele CA647381.

ClinVar aggregate classification (germline): Uncertain significance. Review status: criteria provided, multiple submitters, no conflicts (2 of 4 stars). 2 submissions from 2 submitters: Uncertain significance (2). Last evaluated 2026-01-15.

Conditions:
Hyperprolinemia type 2 (HYRPRO2). Also called: Delta-1-pyrroline-5-carboxylate dehydrogenase deficiency; Deficiency of pyrroline-5-carboxylate reductase; 1-PYRROLINE-5-CARBOXYLATE DEHYDROGENASE DEFICIENCY. Identifiers: Orphanet 79101, MedGen C2931835, MONDO:0009401, OMIM 239510.

Allele frequency attached by ClinVar (database versions not stated): gnomAD exomes 0.00001 and 0.00006; TOPMed 0.00002; ExAC 0.00003; gnomAD 0.00004; ESP Exome Variant Server 0.00008.
gnomAD v4.1: 102 of 1,610,550 alleles (0.0063%); highest among the groups gnomAD compares: Non-Finnish European, 0.0076%; no homozygotes.

Submissions (2):

GeneDx
Classification: Uncertain significance. Last evaluated: 2026-01-15. Review status: criteria provided, single submitter. Criteria: GeneDx Variant Classification Process June 2021. Collection method: clinical testing. Allele origin: germline. Affected: yes.
Comment: In silico analysis suggests that this missense variant does not alter protein structure/function; Has not been previously published as pathogenic or benign to our knowledge

Illumina Laboratory Services, Illumina
Classification: Uncertain significance for Hyperprolinemia type 2. Last evaluated: 2018-01-12. Review status: criteria provided, single submitter. Criteria: ICSL Variant Classification Criteria 13 December 2019. Collection method: clinical testing. Allele origin: germline.